The following is an entry in ClinVar:

ClinVar aggregate classification (germline): Uncertain significance. Review status: criteria provided, multiple submitters, no conflicts (2 of 4 stars). 3 submissions from 3 submitters: Uncertain significance (3). Last evaluated 2024-06-12.

Conditions:
Familial dysautonomia. Also called: FD; HSAN III. Identifiers: Orphanet 1764, MedGen C0013364, MONDO:0009131, OMIM 223900. Disease mechanism: loss of function.
Medulloblastoma (MDB). Also called: MEDULLOBLASTOMA PREDISPOSITION SYNDROME; Medulloblastoma, somatic. Identifiers: Orphanet 616, MedGen C0025149, MeSH D008527, MONDO:0007959, OMIM 155255, HP:0002885.

Allele frequency attached by ClinVar (database versions not stated): gnomAD exomes 0.00001; gnomAD 0.00003; TOPMed 0.00005; ESP Exome Variant Server 0.00015.
gnomAD v4.1: 12 of 1,612,890 alleles (0.00074%); highest among the groups gnomAD compares: African/African-American, 0.011%; no homozygotes.

Submissions (3):

Fulgent Genetics
Classification: Uncertain significance for Medulloblastoma; Familial dysautonomia. Last evaluated: 2024-06-12. Review status: criteria provided, single submitter. Criteria: ACMG Guidelines, 2015. Collection method: clinical testing. Allele origin: germline.

Labcorp Genetics (formerly Invitae), Labcorp
Classification: Uncertain significance. Last evaluated: 2022-06-10. Review status: criteria provided, single submitter. Criteria: Invitae Variant Classification Sherloc (09022015). Collection method: clinical testing. Allele origin: germline.
Comment: This sequence change replaces leucine, which is neutral and non-polar, with valine, which is neutral and non-polar, at codon 1095 of the ELP1 protein (p.Leu1095Val). This variant is present in population databases (rs150595103, gnomAD 0.01%). This variant has not been reported in the literature in individuals affected with ELP1-related conditions. Algorithms developed to predict the effect of missense changes on protein structure and function (SIFT, PolyPhen-2, Align-GVGD) all suggest that this variant is likely to be tolerated. Algorithms developed to predict the effect of sequence changes on RNA splicing suggest that this variant may create or strengthen a splice site. In summary, the available evidence is currently insufficient to determine the role of this variant in disease. Therefore, it has been classified as a Variant of Uncertain Significance.

Ambry Genetics
Classification: Uncertain significance. Last evaluated: 2020-03-24. Review status: criteria provided, single submitter. Criteria: Ambry Variant Classification Scheme 2023. Collection method: clinical testing. Allele origin: germline.
Comment: The p.L1095V variant (also known as c.3283C>G), located in coding exon 29 of the IKBKAP gene, results from a C to G substitution at nucleotide position 3283. The leucine at codon 1095 is replaced by valine, an amino acid with highly similar properties. This amino acid position is well conserved in available vertebrate species. In addition, this alteration is predicted to be tolerated by in silico analysis. Since supporting evidence is limited at this time, the clinical significance of this alteration remains unclear.

NM_003640.5(ELP1):c.3283C>G (p.Leu1095Val)

Gene: ELP1 (elongator acetyltransferase complex subunit 1; minus strand). Cytogenetic location: 9q31.3.
Variant type: single nucleotide variant.
Coding change: c.3283C>G on transcript NM_003640.5 (MANE Select); coding-DNA position 3283, C replaced by G.
Protein change: p.Leu1095Val; replaces leucine 1095 with valine.
Molecular consequence: missense variant.
Genome position (GRCh38, 1-based): chr9:108,882,127, G>C on the plus strand (C>G on the coding strand, the complement: ELP1 is on the minus strand). VCF-style: chr9-108882127-G-C. GRCh37 (hg19) VCF-style: chr9-111644407-G-C.
Other names: c.2941C>G, p.Leu981Val (NM_001318360.2); c.2236C>G, p.Leu746Val (NM_001330749.2); short protein forms L1095V, L746V, L981V.
Identifiers: ClinVar variation 1800228 (VCV001800228.5), dbSNP rs150595103, ClinGen allele CA197522407.
Genomic context (GRCh38, chr9:108,882,127, plus strand): 5'-CCCTTGCTTGCTCTCTCTGCTTAGCACCCAACATCCAGAGGATTTACAAGATTCTTACCA[G>C]CCTCAAAGCTTCTTCCCAGGCAGCTCCTTCTAACAGCAAGAGCACAGCTTCTTCATAATC-3'
Protein context (NP_003631.2, residues 1085-1105): EGAAWEEALR[Leu1095Val]VYKYNRLDII